The following is an entry in ClinVar:

NM_001211.6(BUB1B):c.15G>A (p.Lys5=)

Genes: BUB1B (BUB1 mitotic checkpoint serine/threonine kinase B; plus strand), LOC130056830 (ATAC-STARR-seq lymphoblastoid active region 9236; plus strand). Cytogenetic location: 15q15.1.
Variant type: single nucleotide variant.
Coding change: c.15G>A on transcript NM_001211.6 (MANE Select); coding-DNA position 15, G replaced by A.
Protein change: p.Lys5=; no amino-acid change (lysine 5 retained).
Molecular consequence: synonymous variant.
Genome position (GRCh38, 1-based): chr15:40,161,235, G>A. VCF-style: chr15-40161235-G-A. GRCh37 (hg19) VCF-style: chr15-40453436-G-A.
Identifiers: ClinVar variation 699872 (VCV000699872.37), dbSNP rs374433718, ClinGen allele CA7475314.
Genomic context (GRCh38, chr15:40,161,235, plus strand): 5'-GAGGAAAGGCCTGCAGCAGGACGAGGACCTGAGCCAGGAATGCAGGATGGCGGCGGTGAA[G>A]AAGGAAGGGGGTGCTCTGAGGTAGGTACGGGAGAAAGCTGCTGGGGGCTGGGCCTGAGAG-3'
Protein context (NP_001202.5, residues 1-15): MAAV[Lys5=]KEGGALSEAM

ClinVar aggregate classification (germline): Likely benign. Review status: criteria provided, multiple submitters, no conflicts (2 of 4 stars). 3 submissions from 3 submitters: Likely benign (3). Last evaluated 2025-07-14.

Conditions:
Inborn genetic diseases. Identifiers: MedGen C0950123, MeSH D030342.
Mosaic variegated aneuploidy syndrome 1 (MVA1). Also called: Warburton-Anyane-Yeboa syndrome. Identifiers: Orphanet 1052, MedGen C1850343, MONDO:0009759, OMIM 257300.

Allele frequency attached by ClinVar (database versions not stated): gnomAD 0.00001; gnomAD exomes 0.00002 and 0.00007; ExAC 0.00004; TOPMed 0.00005; ESP Exome Variant Server 0.00008.
gnomAD v4.1: 98 of 1,613,292 alleles (0.0061%); highest among the groups gnomAD compares: Non-Finnish European, 0.0082%; no homozygotes.

Submissions (3):

Labcorp Genetics (formerly Invitae), Labcorp
Classification: Likely benign for Mosaic variegated aneuploidy syndrome 1. Last evaluated: 2025-07-14. Review status: criteria provided, single submitter. Criteria: Invitae Variant Classification Sherloc (09022015). Collection method: clinical testing. Allele origin: germline.

CeGaT Center for Human Genetics Tuebingen
Classification: Likely benign. Last evaluated: 2022-12-01. Review status: criteria provided, single submitter. Criteria: CeGaT Center For Human Genetics Tuebingen Variant Classification Criteria Version 2. Collection method: clinical testing. Allele origin: germline. Affected: yes. Observed: 1 variant allele.
Comment: BUB1B: BP4, BP7

Ambry Genetics
Classification: Likely benign for Inborn genetic diseases. Last evaluated: 2022-02-16. Review status: criteria provided, single submitter. Criteria: Ambry Variant Classification Scheme 2023. Collection method: clinical testing. Allele origin: germline.